The following is an entry in ClinVar:

ClinVar aggregate classification (germline): Uncertain significance (1 of 4 stars; one submission).

Submission:

Labcorp Genetics (formerly Invitae), Labcorp
Classification: Uncertain significance. Last evaluated: 2024-06-08. Review status: criteria provided, single submitter. Criteria: Invitae Variant Classification Sherloc (09022015). Collection method: clinical testing. Allele origin: germline.
Comment: This sequence change creates a premature translational stop signal (p.Glu1470*) in the DISP1 gene. While this is not anticipated to result in nonsense mediated decay, it is expected to disrupt the last 55 amino acid(s) of the DISP1 protein. This variant is not present in population databases (gnomAD no frequency). This variant has not been reported in the literature in individuals affected with DISP1-related conditions. In summary, the available evidence is currently insufficient to determine the role of this variant in disease. Therefore, it has been classified as a Variant of Uncertain Significance.

NM_001377229.1(DISP1):c.4408G>T (p.Glu1470Ter)

Gene: DISP1 (dispatched RND transporter family member 1; plus strand). Cytogenetic location: 1q41.
Variant type: single nucleotide variant.
Coding change: c.4408G>T on transcript NM_001377229.1 (MANE Select); coding-DNA position 4408, G replaced by T.
Protein change: p.Glu1470Ter; replaces glutamic acid 1470 with a stop codon.
Molecular consequence: nonsense.
Genome position (GRCh38, 1-based): chr1:223,005,805, G>T. VCF-style: chr1-223005805-G-T. GRCh37 (hg19) VCF-style: chr1-223179147-G-T.
Other names: c.3679G>T, p.Glu1227Ter (NM_001350630.2); c.4408G>T, p.Glu1470Ter (NM_001369594.1, NM_001377228.1, NM_032890.5); short protein forms E1470*, E1227*.
Identifiers: ClinVar variation 3714803 (VCV003714803.2).